The following is an entry in ClinVar:

NM_000320.3(QDPR):c.198+1G>A

Gene: QDPR (quinoid dihydropteridine reductase; minus strand). Cytogenetic location: 4p15.32.
Variant type: single nucleotide variant.
Coding change: c.198+1G>A on transcript NM_000320.3 (MANE Select); the canonical splice donor site of the intron after coding-DNA position 198, G replaced by A.
Molecular consequence: splice donor variant. On other transcripts: intron variant (1).
Genome position (GRCh38, 1-based): chr4:17,509,270, C>T on the plus strand (G>A on the coding strand, the complement: QDPR is on the minus strand). VCF-style: chr4-17509270-C-T. GRCh37 (hg19) VCF-style: chr4-17510893-C-T.
Other names: c.105+2680G>A (NM_001306140.2).
Identifiers: ClinVar variation 1360342 (VCV001360342.6), dbSNP rs2108997263, ClinGen allele CA356452711.
Genomic context (GRCh38, chr4:17,509,270, plus strand): 5'-GCCAGTGGTCACCTCTCCCCAGGGTTCCCCTCACAATGTTTGGGGGCCTTTTTGAAACTA[C>T]CTGGTCAGCCTGCTCAGTGAACGAGTCTGTCATTTTAACAATGATGCTAGCGCTGGCCTC-3'

ClinVar aggregate classification (germline): Pathogenic (1 of 4 stars; one submission).

Conditions:
Dihydropteridine reductase deficiency (HPABH4C). Also called: DHPR DEFICIENCY; BH4-Deficient Hyperphenylalaninemia C; Hyperphenylalaninemia due to dihydropteridine reductase deficiency; Hyperphenylalaninemia, BH-4-deficient, C; Phenylketonuria type 2; HYPERPHENYLALANINEMIA, TETRAHYDROBIOPTERIN-DEFICIENT, DUE TO DHPR DEFICIENCY. Identifiers: Orphanet 226, Orphanet 238583, MedGen C0268465, MONDO:0009862, OMIM 261630.

Allele frequency attached by ClinVar (database versions not stated): gnomAD exomes below 0.00001.

Submission:

Labcorp Genetics (formerly Invitae), Labcorp
Classification: Pathogenic for Dihydropteridine reductase deficiency. Last evaluated: 2021-07-13. Review status: criteria provided, single submitter. Criteria: Invitae Variant Classification Sherloc (09022015). Collection method: clinical testing. Allele origin: germline.
Comment: For these reasons, this variant has been classified as Pathogenic. Algorithms developed to predict the effect of sequence changes on RNA splicing suggest that this variant may disrupt the consensus splice site. Disruption of this splice site has been observed in individual(s) with clinical features of biopterin deficient hyperphenylalanemia (Invitae). In at least one individual the data is consistent with the variant being in trans (on the opposite chromosome) from a pathogenic variant. This variant is not present in population databases (ExAC no frequency). This sequence change affects a donor splice site in intron 2 of the QDPR gene. It is expected to disrupt RNA splicing. Variants that disrupt the donor or acceptor splice site typically lead to a loss of protein function (PMID: 16199547), and loss-of-function variants in QDPR are known to be pathogenic (PMID: 7627180, 11153907).

Literature cited by the submitters: PubMed 16199547; PubMed 7627180; PubMed 11153907.